The following is an entry in ClinVar:

NM_006261.5(PROP1):c.471C>A (p.Tyr157Ter)

Gene: PROP1 (PROP paired-like homeobox 1; minus strand). Cytogenetic location: 5q35.3.
Variant type: single nucleotide variant.
Coding change: c.471C>A on transcript NM_006261.5 (MANE Select); coding-DNA position 471, C replaced by A.
Protein change: p.Tyr157Ter; replaces tyrosine 157 with a stop codon.
Molecular consequence: nonsense.
Genome position (GRCh38, 1-based): chr5:177,992,919, G>T on the plus strand (C>A on the coding strand, the complement: PROP1 is on the minus strand). VCF-style: chr5-177992919-G-T. GRCh37 (hg19) VCF-style: chr5-177419920-G-T.
Other names: short protein forms Y157*.
Identifiers: ClinVar variation 4060513 (VCV004060513.2).

ClinVar aggregate classification (germline): Uncertain significance. Review status: criteria provided, single submitter (1 of 4 stars). 2 submissions from 2 submitters: Uncertain significance (1). 1 of the submissions does not count toward it. Last evaluated 2025-04-13.

Conditions:
Pituitary hormone deficiency, combined, 2. Also called: ATELIOTIC DWARFISM WITH HYPOGONADISM; HANHART DWARFISM; PITUITARY DWARFISM III; PROP1-Related Combined Pituitary Hormone Deficiency. Identifiers: MedGen C0878683, MONDO:0009878, OMIM 262600.

Submissions (2):

GeneDx
Classification: Uncertain significance. Last evaluated: 2025-04-13. Review status: criteria provided, single submitter. Criteria: GeneDx Variant Classification Process June 2021. Collection method: clinical testing. Allele origin: germline. Affected: yes.
Comment: Not observed at significant frequency in large population cohorts (gnomAD); Nonsense variant predicted to result in protein truncation as the last 70 amino acids are lost; Has not been previously published as pathogenic or benign to our knowledge

Natera, Inc.
Classification: Likely pathogenic for Combined pituitary hormone deficiency type 2. Last evaluated: 2025-01-06. Review status: no assertion criteria provided. Collection method: clinical testing. Allele origin: germline. Not counted in ClinVar's aggregate classification.